The following is an entry in ClinVar:

ClinVar aggregate classification (germline): Conflicting classifications of pathogenicity. Review status: criteria provided, conflicting classifications (1 of 4 stars). 10 submissions from 10 submitters: Uncertain significance (9); Likely benign (1). Last evaluated 2026-05-01.

Conditions:
Hypertrophic cardiomyopathy 4. Also called: Familial hypertrophic cardiomyopathy 4. Identifiers: MedGen C1861862, MONDO:0007268, OMIM 115197.
Left ventricular noncompaction 10 (LVNC10). Identifiers: Orphanet 154, Orphanet 54260, MedGen C3715165, MONDO:0014163, OMIM 615396.
Cardiovascular phenotype. Identifiers: MedGen CN230736.
Cardiomyopathy (CMYO). Also called: Cardiomyopathies. Identifiers: Orphanet 167848, MedGen C0878544, MONDO:0004994, HP:0001638. Inheritance: Various modes of inheritance.
Hypertrophic cardiomyopathy. Also called: HYPERTROPHIC MYOCARDIOPATHY. Identifiers: Orphanet 217569, MedGen C0007194, MeSH D002312, MONDO:0005045, HP:0001639.

Allele frequency attached by ClinVar (database versions not stated): gnomAD 0.00001 and 0.00002; gnomAD exomes 0.00002; ExAC 0.00004; TOPMed 0.00007.
gnomAD v4.1: 31 of 1,563,058 alleles (0.002%); highest among the groups gnomAD compares: South Asian, 0.013%; no homozygotes.

Submissions (10):

Women's Health and Genetics/Laboratory Corporation of America, LabCorp
Classification: Uncertain significance. Last evaluated: 2026-05-01. Review status: criteria provided, single submitter. Criteria: LabCorp Variant Classification Summary - May 2015. Collection method: clinical testing. Allele origin: germline.
Comment: Variant summary: MYBPC3 c.451G>A (p.Asp151Asn) results in a conservative amino acid change in the encoded protein sequence. Algorithms developed to predict the effect of missense changes on protein structure and function all suggest that this variant is likely to be tolerated. The frequency data for this variant in gnomAD is considered unreliable, as metrics indicate poor data quality at this position. c.451G>A has been observed in individuals affected with Cardiomyopathy (e.g. Gomez_2014, Walsh_2017, Burstein_2021, McGurk_2023). These reports do not provide unequivocal conclusions about association of the variant with Cardiomyopathy. To our knowledge, no experimental evidence demonstrating an impact on protein function has been reported. The following publications have been ascertained in the context of this evaluation (PMID: 28356264, 30696458, 32746448, 37652022). ClinVar contains an entry for this variant (Variation ID: 42754). Based on the evidence outlined above, the variant was classified as uncertain significance.

Labcorp Genetics (formerly Invitae), Labcorp
Classification: Uncertain significance for Hypertrophic cardiomyopathy. Last evaluated: 2025-11-21. Review status: criteria provided, single submitter. Criteria: Invitae Variant Classification Sherloc (09022015). Collection method: clinical testing. Allele origin: germline.
Comment: This sequence change replaces aspartic acid, which is acidic and polar, with asparagine, which is neutral and polar, at codon 151 of the MYBPC3 protein (p.Asp151Asn). The frequency data for this variant in the population databases is considered unreliable, as metrics indicate poor data quality at this position in the gnomAD database. This missense change has been observed in individual(s) with dilated cardiomyopathy and/or hypertrophic cardiomyopathy (PMID: 27532257, 28356264, 32746448, 37652022). ClinVar contains an entry for this variant (Variation ID: 42754). An algorithm developed to predict the effect of missense changes on protein structure and function (PolyPhen-2) suggests that this variant is likely to be tolerated. In summary, the available evidence is currently insufficient to determine the role of this variant in disease. Therefore, it has been classified as a Variant of Uncertain Significance.

Molecular Diagnostic Laboratory for Inherited Cardiovascular Disease, Montreal Heart Institute
Classification: Uncertain significance for Cardiovascular phenotype. Last evaluated: 2025-04-09. Review status: criteria provided, single submitter. Criteria: ACMG Guidelines, 2015. Collection method: clinical testing. Allele origin: germline. Affected: yes.

Color Diagnostics, LLC DBA Color Health
Classification: Uncertain significance for Cardiomyopathy. Last evaluated: 2024-09-09. Review status: criteria provided, single submitter. Criteria: ACMG Guidelines, 2015. Collection method: clinical testing. Allele origin: germline.
Comment: This missense variant replaces aspartic acid with asparagine at codon 151 of the MYBPC3 protein. Computational prediction tools indicate that this variant has a neutral impact on protein structure and function. To our knowledge, functional studies have not been performed for this variant. This variant has been observed in several individuals affected with hypertrophic cardiomyopathy (PMID: 27532257, 28356264, 28771489, 33495597) or dilated cardiomyopathy (PMID: 32746448). This variant has not been identified in the general population by the Genome Aggregation Database (gnomAD). The available evidence is insufficient to determine the role of this variant in disease conclusively. Therefore, this variant is classified as a Variant of Uncertain Significance.

Blueprint Genetics
Classification: Uncertain significance. Last evaluated: 2024-07-04. Review status: criteria provided, single submitter. Criteria: ACMG Guidelines, 2015. Collection method: clinical testing. Allele origin: germline.

Ambry Genetics
Classification: Likely benign for Cardiovascular phenotype. Last evaluated: 2024-06-10. Review status: criteria provided, single submitter. Criteria: Ambry Variant Classification Scheme 2023. Collection method: clinical testing. Allele origin: germline.

All of Us Research Program, National Institutes of Health
Classification: Uncertain significance for Hypertrophic cardiomyopathy. Last evaluated: 2023-06-26. Review status: criteria provided, single submitter. Criteria: ACMG Guidelines, 2015. Collection method: clinical testing. Allele origin: germline. Inheritance: Autosomal dominant inheritance. Observed: 6 variant alleles, 6 heterozygotes.
Comment: This missense variant replaces aspartic acid with asparagine at codon 151 of the MYBPC3 protein. Computational prediction suggests that this variant may not impact protein structure and function (internally defined REVEL score threshold <= 0.5, PMID: 27666373). To our knowledge, functional studies have not been performed for this variant. This variant has been observed in several individuals affected with hypertrophic cardiomyopathy (PMID: 27532257, 28356264, 28771489, 33495597) or dilated cardiomyopathy (PMID: 32746448). This variant has not been identified in the general population by the Genome Aggregation Database (gnomAD). The available evidence is insufficient to determine the role of this variant in disease conclusively. Therefore, this variant is classified as a Variant of Uncertain Significance.

This study involves interpretation of variants in research participants for the purpose of population health screening. Participant phenotype was not available at the time of variant classification. Additional details can be found in publication PMID: 35346344, PMCID: PMC8962531

Fulgent Genetics
Classification: Uncertain significance for Hypertrophic cardiomyopathy 4; Left ventricular noncompaction 10. Last evaluated: 2021-07-12. Review status: criteria provided, single submitter. Criteria: ACMG Guidelines, 2015. Collection method: clinical testing. Allele origin: unknown.

GeneDx
Classification: Uncertain significance. Last evaluated: 2021-02-15. Review status: criteria provided, single submitter. Criteria: GeneDx Variant Classification Process June 2021. Collection method: clinical testing. Allele origin: germline. Affected: yes.
Comment: Identified in individuals with HCM in published literature (Gomez et al., 2014; Alfares et al., 2015); Not observed at a significant frequency in large population cohorts (Lek et al., 2016); In silico analysis supports that this missense variant does not alter protein structure/function; Reported in ClinVar but additional evidence is not available (ClinVar Variant ID#42754; Landrum et al., 2016); This variant is associated with the following publications: (PMID: 28356264, 25611685, 27532257, 25342278)

Laboratory for Molecular Medicine, Mass General Brigham Personalized Medicine
Classification: Uncertain significance. Last evaluated: 2010-08-04. Review status: criteria provided, single submitter. Criteria: LMM Criteria. Collection method: clinical testing. Allele origin: germline. Observed: 1 variant allele.
Comment: The Asp151Asn variant has not been reported in the literature. In addition, this variant is not well-conserved in mammals, suggesting that the change may be wel l tolerated. Therefore, we have li mited data on variants found in the Black population. Finally, this variant has never been seen in isolation in a proband. As such, the clinical significance of this variant cannot be determined at this time.

Literature cited by the submitters: PubMed 28356264 (cited by 5 submitters); PubMed 30696458 (cited by Women's Health and Genetics/Laboratory Corporation of America, LabCorp); PubMed 32746448 (cited by 4 submitters); PubMed 37652022 (cited by Women's Health and Genetics/Laboratory Corporation of America, LabCorp and Labcorp Genetics (formerly Invitae), Labcorp); PubMed 27532257 (cited by 4 submitters); PubMed 28771489 (cited by 3 submitters); PubMed 33495597 (cited by Color Diagnostics, LLC DBA Color Health and All of Us Research Program, National Institutes of Health); PubMed 25342278 (cited by Ambry Genetics).

NM_000256.3(MYBPC3):c.451G>A (p.Asp151Asn)

Gene: MYBPC3 (myosin binding protein C3; minus strand). Cytogenetic location: 11p11.2.
Variant type: single nucleotide variant.
Coding change: c.451G>A on transcript NM_000256.3 (MANE Select); coding-DNA position 451, G replaced by A.
Protein change: p.Asp151Asn; replaces aspartic acid 151 with asparagine.
Molecular consequence: missense variant.
Genome position (GRCh38, 1-based): chr11:47,350,068, C>T on the plus strand (G>A on the coding strand, the complement: MYBPC3 is on the minus strand). VCF-style: chr11-47350068-C-T. GRCh37 (hg19) VCF-style: chr11-47371619-C-T.
Other names: short protein forms D151N.
Identifiers: ClinVar variation 42754 (VCV000042754.23), dbSNP rs397516051, ClinGen allele CA015133.
Genomic context (GRCh38, chr11:47,350,068, plus strand): 5'-ACTCACCCACGGTCACCTCGCCATCCTGTGGCCGCATCACGAAGAGGCCAATGGGGTCAT[C>T]GGGGGCTCCAGGGGTAGGACCATTGAGAGCTGCTGAGCTTGACCCTGTGAGCAAAGGCTT-3'
Protein context (NP_000247.2, residues 141-161): ALNGPTPGAP[Asp151Asn]DPIGLFVMRP